The following is an entry in ClinVar:

NM_007375.4(TARDBP):c.1122T>G (p.Tyr374Ter)

Gene: TARDBP (TAR DNA binding protein; plus strand). Cytogenetic location: 1p36.22.
Variant type: single nucleotide variant.
Coding change: c.1122T>G on transcript NM_007375.4 (MANE Select); coding-DNA position 1122, T replaced by G.
Protein change: p.Tyr374Ter; replaces tyrosine 374 with a stop codon.
Molecular consequence: nonsense.
Genome position (GRCh38, 1-based): chr1:11,022,531, T>G. VCF-style: chr1-11022531-T-G. GRCh37 (hg19) VCF-style: chr1-11082588-T-G.
Other names: short protein forms Y374*.
Identifiers: ClinVar variation 266065 (VCV000266065.6), dbSNP rs147795017, ClinGen allele CA338368178.

ClinVar aggregate classification (germline): Conflicting classifications of pathogenicity. Review status: criteria provided, conflicting classifications (1 of 4 stars). 2 submissions from 2 submitters: Likely pathogenic (1); Uncertain significance (1). Last evaluated 2025-10-20.

Conditions:
Motor neuron disease. Also called: Degenerative motor system disease; Motor neuron disorder. Identifiers: Orphanet 98503, MedGen C0085084, MONDO:0020128.
Amyotrophic lateral sclerosis type 10 (ALS10). Also called: AMYOTROPHIC LATERAL SCLEROSIS 10 WITHOUT FRONTOTEMPORAL DEMENTIA AND WITH TDP43 INCLUSIONS; AMYOTROPHIC LATERAL SCLEROSIS 10 WITH OR WITHOUT FRONTOTEMPORAL DEMENTIA AND WITH TDP43 INCLUSIONS; Amyotrophic lateral sclerosis 10, with or without FTD; AMYOTROPHIC LATERAL SCLEROSIS 10 WITH OR WITHOUT FRONTOTEMPORAL DEMENTIA; TARDBP-Related Amyotrophic Lateral Sclerosis-Frontotemporal Dementia. Identifiers: Orphanet 275872, Orphanet 803, MedGen C2677565, MONDO:0012790, OMIM 612069.
FRONTOTEMPORAL LOBAR DEGENERATION WITH TDP43 INCLUSIONS, TARDBP-RELATED. Also called: Frontotemporal lobar degeneration, TARDBP-related. Identifiers: MedGen C3150169, OMIM 612069.

Submissions (2):

Labcorp Genetics (formerly Invitae), Labcorp
Classification: Likely pathogenic for Amyotrophic lateral sclerosis type 10; FRONTOTEMPORAL LOBAR DEGENERATION WITH TDP43 INCLUSIONS, TARDBP-RELATED. Last evaluated: 2025-10-20. Review status: criteria provided, single submitter. Criteria: Invitae Variant Classification Sherloc (09022015). Collection method: clinical testing. Allele origin: germline.
Comment: This sequence change creates a premature translational stop signal (p.Tyr374*) in the TARDBP gene. While this is not anticipated to result in nonsense mediated decay, it is expected to disrupt the last 41 amino acid(s) of the TARDBP protein. This variant is not present in population databases (gnomAD no frequency). This premature translational stop signal has been observed in individuals with TARDBP-related conditions (PMID: 18931000, 28089114, 28430856, 35871544; internal data). It has also been observed to segregate with disease in related individuals. ClinVar contains an entry for this variant (Variation ID: 266065). Algorithms developed to predict the effect of variants on gene product structure and function are not available or were not evaluated for this variant. Experimental studies have shown that this premature translational stop signal affects TARDBP function (PMID: 35871544). In summary, the currently available evidence indicates that the variant is pathogenic, but additional data are needed to prove that conclusively. Therefore, this variant has been classified as Likely Pathogenic.

Centre for Genomic and Experimental Medicine, University of Edinburgh
Classification: Uncertain significance for Motor neuron disease. Last evaluated: 2016-08-31. Review status: criteria provided, single submitter. Criteria: Submitter's publication. Collection method: case-control. Allele origin: unknown. Affected: yes. Observed: 1 heterozygote.

Literature cited by the submitters: PubMed 18931000 (cited by Labcorp Genetics (formerly Invitae), Labcorp); PubMed 28089114 (cited by Labcorp Genetics (formerly Invitae), Labcorp and Centre for Genomic and Experimental Medicine, University of Edinburgh); PubMed 28430856 (cited by Labcorp Genetics (formerly Invitae), Labcorp); PubMed 35871544 (cited by Labcorp Genetics (formerly Invitae), Labcorp).